The following is an entry in ClinVar:

NM_000059.4(BRCA2):c.45_46insTTTTTTTTTTTTTTTNNNNNNNNNNTCACCTTGTTAGCCAGGATGGTCTCGATCTCCTGACCTCATGATCCACCCGCCTCGGCCTCCCAAAGTGCTGGGATTACAGGCGTGAGCCACCGCGCCCGGCCCATTTTTTGAAATTTTT (p.Lys16delinsPhePhePhePhePheXaaXaaXaaXaaThrLeuLeuAlaArgMetValSerIleSerTer)

Gene: BRCA2 (BRCA2 DNA repair associated; plus strand). Cytogenetic location: 13q13.1.
Variant type: Insertion.
Coding change: c.45_46insTTTTTTTTTTTTTTTNNNNNNNNNNTCACCTTGTTAGCCAGGATGGTCTCGATCTCCTGACCTCATGATCCACCCGCCTCGGCCTCCCAAAGTGCTGGGATTACAGGCGTGAGCCACCGCGCCCGGCCCATTTTTTGAAATTTTT on transcript NM_000059.4 (MANE Select); coding-DNA positions 45 to 46, TTTTTTTTTTTTTTTNNNNNNNNNNTCACCTTGTTAGCCAGGATGGTCTCGATCTCCTGACCTCATGATCCACCCGCCTCGGCCTCCCAAAGTGCTGGGATTACAGGCGTGAGCCACCGCGCCCGGCCCATTTTTTGAAATTTTT inserted.
Protein change: p.Lys16delinsPhePhePhePhePheXaaXaaXaaXaaThrLeuLeuAlaArgMetValSerIleSerTer.
Molecular consequence: nonsense.
Genome position: GRCh38: chr13:32,316,505-32,316,506. GRCh37 (hg19): chr13:32,890,642-32,890,643.
Identifiers: ClinVar variation 1452297 (VCV001452297.6), dbSNP rs2138698246.

ClinVar aggregate classification (germline): Pathogenic (1 of 4 stars; one submission).

Conditions:
Hereditary breast ovarian cancer syndrome. Also called: Hereditary breast and ovarian cancer; Hereditary breast and ovarian cancer syndrome (HBOC); Breast and ovarian cancer; Hereditary breast and ovarian cancer syndrome; Hereditary breast and/or ovarian cancer syndrome; BRCA1- and BRCA2-Associated Hereditary Breast and Ovarian Cancer. Identifiers: Orphanet 145, MedGen C0677776, MeSH D061325, MONDO:0003582. Disease mechanism: loss of function.

Submission:

Labcorp Genetics (formerly Invitae), Labcorp
Classification: Pathogenic for Hereditary breast ovarian cancer syndrome. Last evaluated: 2023-10-12. Review status: criteria provided, single submitter. Criteria: Invitae Variant Classification Sherloc (09022015). Collection method: clinical testing. Allele origin: germline.
Comment: This sequence change inserts a large fragment of DNA, likely a transposable element, in exon 2 of the BRCA2 gene (c.45_46ins?), causing a frameshift at codon 16 (p.Lys16fs). The exact size and sequence of the insertion cannot be determined by the current assay. However, the insertion is expected to result in an absent or disrupted protein product. This variant is not present in population databases (gnomAD no frequency). This variant has not been reported in the literature in individuals affected with BRCA2-related conditions. ClinVar contains an entry for this variant (Variation ID: 1452297). Retrotransposon insertions including LINE1 (L1), Alu, and SVA (SINE-VNTR-Alu) have been reported to be disease-causing through disruption of either a coding region or splice site (PMID: 19763152, 20307669, 22406018) and loss-of-function variants in BRCA2 are known to be pathogenic (PMID: 20104584). For these reasons, this variant has been classified as Pathogenic.

Literature cited by the submitters: PubMed 19763152; PubMed 20307669; PubMed 22406018; PubMed 20104584.